The following is an entry in ClinVar:

NM_000548.5(TSC2):c.3131+35G>A

Gene: TSC2 (TSC complex subunit 2; plus strand). Cytogenetic location: 16p13.3.
Variant type: single nucleotide variant.
Coding change: c.3131+35G>A on transcript NM_000548.5 (MANE Select); 35 bases into the intron after coding-DNA position 3131, G replaced by A.
Molecular consequence: intron variant.
Genome position (GRCh38, 1-based): chr16:2,079,231, G>A. VCF-style: chr16-2079231-G-A. GRCh37 (hg19) VCF-style: chr16-2129232-G-A.
Other names: c.1658+35G>A (NM_001406693.1, NM_001406690.1, NM_001406692.1 and 1 more transcripts); c.3092+35G>A (NM_001406667.1); c.3089+35G>A (NM_001406668.1); c.2531+35G>A (NM_001406680.1, NM_001406683.1, NM_001406682.1); c.2399+35G>A (NM_001406687.1, NM_001318831.2, NM_001406688.1); c.1787+35G>A (NM_001406689.1); c.1655+35G>A (NM_001406691.1, NM_001406697.1, NM_001406695.1 and 1 more transcripts); c.1397+35G>A (NM_001406698.1); and 18 more.
Identifiers: ClinVar variation 4978466 (VCV004978466.1).
Genomic context (GRCh38, chr16:2,079,231, plus strand): 5'-TCCAACTTCACGGCTGTCCCGAAGAGGTCCAGGCGGCACTACAGGGCTGGGCGGGCCTGC[G>A]GGAGCTCCACGGGCAAGCTGGGTTTCACGCTCCCTGTCTTCTAGGTCTCCTGTGGGCGAG-3'

ClinVar aggregate classification (germline): Likely benign (1 of 4 stars; one submission).

Conditions:
TSC2-related disorder. Also called: TSC2-related condition; TSC2-Related Disorders.

gnomAD v4.1: 7 of 1,612,794 alleles (0.00043%); highest among the groups gnomAD compares: Admixed American, 0.0033%; no homozygotes.

Submission:

PreventionGenetics, part of Exact Sciences
Classification: Likely benign for TSC2-related condition. Last evaluated: 2026-06-12. Review status: criteria provided, single submitter. Criteria: ACMG Guidelines, 2015. Collection method: clinical testing. Allele origin: germline.
Comment: This variant is classified as likely benign based on ACMG/AMP sequence variant interpretation guidelines (Richards et al. 2015 PMID: 25741868, with internal and published modifications).